The following is an entry in ClinVar:

NM_000287.4(PEX6):c.2764_2765del (p.Met922fs)

Gene: PEX6 (peroxisomal biogenesis factor 6; minus strand). Cytogenetic location: 6p21.1.
Variant type: Deletion.
Coding change: c.2764_2765del on transcript NM_000287.4 (MANE Select); coding-DNA positions 2764 to 2765, 2 bases deleted (AT; older notation c.2764_2765delAT).
Protein change: p.Met922fs; shifts the reading frame from methionine 922.
Molecular consequence: frameshift variant. On other transcripts: non-coding transcript variant (1).
Genome position (GRCh38, 1-based): chr6:42,964,831-42,964,832, AT deleted on the plus strand (AT on the coding strand, the reverse complement: PEX6 is on the minus strand); deleting any 2 consecutive bases within chr6:42,964,831-42,964,833 gives the same sequence; the c. name uses the placement nearest the transcript's 3' end. VCF-style (leftmost placement, unchanged base first): chr6-42964830-CAT-C. GRCh37 (hg19) VCF-style: chr6-42932568-CAT-C.
Other names: c.2500_2501del, p.Met834fs (NM_001316313.2); short protein forms M922fs, M834fs.
Identifiers: ClinVar variation 556990 (VCV000556990.3), dbSNP rs1554126781, ClinGen allele CA658821892.

ClinVar aggregate classification (germline): Uncertain significance. Review status: criteria provided, single submitter (1 of 4 stars). 2 submissions from 2 submitters: Uncertain significance (1). 1 of the submissions does not count toward it. Last evaluated 2025-10-29.

Conditions:
Peroxisome biogenesis disorder. Identifiers: Orphanet 79189, MedGen C1832200, MONDO:0019234. Disease mechanism: loss of function.
Peroxisome biogenesis disorder 4A (Zellweger) (PBD4A). Also called: Zellweger syndrome spectrum (PEX6-related). Identifiers: Orphanet 912, MedGen C3553936, MONDO:0013930, OMIM 614862. Disease mechanism: loss of function.
Peroxisome biogenesis disorder 4B (PBD4B). Also called: SPINOCEREBELLAR ATAXIA WITH BLINDNESS AND DEAFNESS 1. Identifiers: Orphanet 44, Orphanet 95433, MedGen C3553937, MONDO:0013931, OMIM 614863.

Submissions (2):

Myriad Genetics, Inc.
Classification: Uncertain significance for Peroxisome biogenesis disorder. Last evaluated: 2025-10-29. Review status: criteria provided, single submitter. Criteria: Myriad Autosomal Dominant, Autosomal Recessive and X-Linked Classification Criteria (2023). Collection method: clinical testing. Allele origin: unknown.
Comment: NM_000287.3(PEX6):c.2764_2765delAT(M922Dfs*10) is a frameshift variant classified as a variant of uncertain significance in the context of peroxisome biogenesis disorder type 4. M922Dfs*10 has not been observed in cases with relevant disease. Relevant functional assessments of this variant are not available in the literature. M922Dfs*10 has not been observed in referenced population frequency databases. In summary, there is insufficient evidence to classify NM_000287.3(PEX6):c.2764_2765delAT(M922Dfs*10) as pathogenic or benign. Please note: this variant was assessed in the context of healthy population screening.

Counsyl
Classification: Uncertain significance for Peroxisome biogenesis disorder 4A (Zellweger); Peroxisome biogenesis disorder 4B. Last evaluated: 2018-03-07. Review status: no assertion criteria provided. Collection method: clinical testing. Allele origin: unknown. Not counted in ClinVar's aggregate classification.